The following is an entry in ClinVar:

NM_000393.5(COL5A2):c.*392T>C

Gene: COL5A2 (collagen type V alpha 2 chain; minus strand). Cytogenetic location: 2q32.2.
Variant type: single nucleotide variant.
Coding change: c.*392T>C on transcript NM_000393.5 (MANE Select); 392 bases downstream of the stop codon, T replaced by C.
Molecular consequence: 3 prime UTR variant.
Genome position (GRCh38, 1-based): chr2:189,033,678, A>G on the plus strand (T>C on the coding strand, the complement: COL5A2 is on the minus strand). VCF-style: chr2-189033678-A-G. GRCh37 (hg19) VCF-style: chr2-189898404-A-G.
Identifiers: ClinVar variation 333124 (VCV000333124.7), dbSNP rs1131518, ClinGen allele CA10613286.

ClinVar aggregate classification (germline): Benign/Likely benign. Review status: criteria provided, multiple submitters, no conflicts (2 of 4 stars). 2 submissions from 2 submitters: Benign (1); Likely benign (1). Last evaluated 2018-01-12.

Conditions:
Ehlers-Danlos syndrome, classic type, 2 (EDSCL2). Also called: Ehlers-Danlos syndrome, type 2; Ehlers-Danlos syndrome type 2 (formerly); Ehlers-Danlos Syndrome, Classic Type, COL5A2-Related. Identifiers: Orphanet 287, Orphanet 90318, MedGen C0268336, MONDO:0019568, OMIM 130010.

Allele frequency attached by ClinVar (database versions not stated): gnomAD 0.07903 and 0.07495; 1000 Genomes Project 30x 0.08776; 1000 Genomes Project 0.09105; gnomAD exomes 0.10941; TOPMed 0.07485.
gnomAD v4.1: 24,374 of 265,014 alleles (9.2%); highest among the groups gnomAD compares: South Asian, 16%; 1,376 homozygotes.

Submissions (2):

Illumina Laboratory Services, Illumina
Classification: Benign for Ehlers-Danlos syndrome, classic type, 2. Last evaluated: 2018-01-12. Review status: criteria provided, single submitter. Criteria: ICSL Variant Classification Criteria 13 December 2019. Collection method: clinical testing. Allele origin: germline.
Comment: This variant was observed in the ICSL laboratory as part of a predisposition screen in an ostensibly healthy population. It had not been previously curated by ICSL or reported in the Human Gene Mutation Database (HGMD: prior to June 1st, 2018), and was therefore a candidate for classification through an automated scoring system. Utilizing variant allele frequency, disease prevalence and penetrance estimates, and inheritance mode, an automated score was calculated to assess if this variant is too frequent to cause the disease. Based on the score and internal cut-off values, a variant classified as benign is not then subjected to further curation. The score for this variant resulted in a classification of benign for this disease.

Breakthrough Genomics
Classification: Likely benign. Review status: criteria provided, single submitter. Criteria: ACMG Guidelines, 2015. Collection method: not provided. Allele origin: germline. Inheritance: Autosomal dominant inheritance. Affected: yes.